The following is an entry in ClinVar:

NM_001378100.1(LDLRAD4):c.296G>A (p.Arg99His)

Gene: LDLRAD4 (low density lipoprotein receptor class A domain containing 4; plus strand). Cytogenetic location: 18p11.21.
Variant type: single nucleotide variant.
Coding change: c.296G>A on transcript NM_001378100.1 (MANE Select); coding-DNA position 296, G replaced by A.
Protein change: p.Arg99His; replaces arginine 99 with histidine.
Molecular consequence: missense variant. On other transcripts: non-coding transcript variant (1).
Genome position (GRCh38, 1-based): chr18:13,621,231, G>A. VCF-style: chr18-13621231-G-A. GRCh37 (hg19) VCF-style: chr18-13621230-G-A.
Other names: c.185G>A, p.Arg62His (NM_001003674.3, NM_001003675.3); c.65G>A, p.Arg22His (NM_001276249.1); c.296G>A, p.Arg99His (NM_001378098.1, NM_001378099.1, NM_001378101.1 and 6 more transcripts); c.155G>A, p.Arg52His (NM_001394666.1, NM_001394667.1); short protein forms R22H, R52H, R62H, R99H.
Identifiers: ClinVar variation 2648606 (VCV002648606.24), dbSNP rs143944501, ClinGen allele CA8901328.

ClinVar aggregate classification (germline): Likely benign (1 of 4 stars; one submission).

Allele frequency attached by ClinVar (database versions not stated): TOPMed 0.00464; ExAC 0.00509; 1000 Genomes Project 30x 0.00219; 1000 Genomes Project 0.00220; gnomAD 0.00577; ESP Exome Variant Server 0.00600; gnomAD exomes 0.00757.
gnomAD v4.1: 11,813 of 1,613,766 alleles (0.73%); highest among the groups gnomAD compares: Non-Finnish European, 0.89%; 53 homozygotes.

Submission:

CeGaT Center for Human Genetics Tuebingen
Classification: Likely benign. Last evaluated: 2023-01-01. Review status: criteria provided, single submitter. Criteria: CeGaT Center For Human Genetics Tuebingen Variant Classification Criteria Version 2. Collection method: clinical testing. Allele origin: germline. Affected: yes. Observed: 1 variant allele.
Comment: LDLRAD4: BP4, BS2